The following is an entry in ClinVar:

NM_005996.4(TBX3):c.151G>A (p.Ala51Thr)

Genes: TBX3 (T-box transcription factor 3; minus strand), TBX3-AS1 (TBX3 antisense RNA 1; plus strand). Cytogenetic location: 12q24.21.
Variant type: single nucleotide variant.
Coding change: c.151G>A on transcript NM_005996.4 (MANE Select); coding-DNA position 151, G replaced by A.
Protein change: p.Ala51Thr; replaces alanine 51 with threonine.
Molecular consequence: missense variant.
Genome position (GRCh38, 1-based): chr12:114,683,050, C>T on the plus strand (G>A on the coding strand, the complement: TBX3 is on the minus strand). VCF-style: chr12-114683050-C-T. GRCh37 (hg19) VCF-style: chr12-115120855-C-T.
Other names: c.151G>A, p.Ala51Thr (NM_016569.4); short protein forms A51T.
Identifiers: ClinVar variation 580223 (VCV000580223.9), dbSNP rs1565862637, ClinGen allele CA386873282.

ClinVar aggregate classification (germline): Uncertain significance (1 of 4 stars; one submission).

Conditions:
Ulnar-mammary syndrome (UMS). Also called: PALLISTER ULNAR-MAMMARY SYNDROME; SCHINZEL SYNDROME; Ulnar-mammary syndrome of Pallister. Identifiers: Orphanet 3138, MedGen C1866994, MONDO:0008411, OMIM 181450.

Allele frequency attached by ClinVar (database versions not stated): TOPMed below 0.00001.

Submission:

Labcorp Genetics (formerly Invitae), Labcorp
Classification: Uncertain significance for Ulnar-mammary syndrome. Last evaluated: 2025-12-30. Review status: criteria provided, single submitter. Criteria: Invitae Variant Classification Sherloc (09022015). Collection method: clinical testing. Allele origin: germline.
Comment: This sequence change replaces alanine, which is neutral and non-polar, with threonine, which is neutral and polar, at codon 51 of the TBX3 protein (p.Ala51Thr). This variant is not present in population databases (gnomAD no frequency). This variant has not been reported in the literature in individuals affected with TBX3-related conditions. ClinVar contains an entry for this variant (Variation ID: 580223). An algorithm developed to predict the effect of missense changes on protein structure and function (PolyPhen-2) suggests that this variant is likely to be disruptive. In summary, the available evidence is currently insufficient to determine the role of this variant in disease. Therefore, it has been classified as a Variant of Uncertain Significance.